The following is an entry in ClinVar:

ClinVar aggregate classification (germline): Benign. Review status: criteria provided, multiple submitters, no conflicts (2 of 4 stars). 3 submissions from 3 submitters: Benign (2). 1 of the submissions does not count toward it. Last evaluated 2019-12-31.

Conditions:
NOS1-related disorder. Also called: NOS1-related condition.

Allele frequency attached by ClinVar (database versions not stated): gnomAD 0.00832 and 0.00788; TOPMed 0.00910; gnomAD exomes 0.00081 and 0.00199; ExAC 0.00235; 1000 Genomes Project 0.00739; 1000 Genomes Project 30x 0.00796; ESP Exome Variant Server 0.00816.
gnomAD v4.1: 2,458 of 1,613,206 alleles (0.15%); highest among the groups gnomAD compares: African/African-American, 2.7%; 42 homozygotes.

Submissions (3):

Labcorp Genetics (formerly Invitae), Labcorp
Classification: Benign. Last evaluated: 2019-12-31. Review status: criteria provided, single submitter. Criteria: Invitae Variant Classification Sherloc (09022015). Collection method: clinical testing. Allele origin: germline.

Breakthrough Genomics
Classification: Benign. Review status: criteria provided, single submitter. Criteria: ACMG Guidelines, 2015. Collection method: not provided. Allele origin: germline. Inheritance: Unknown mechanism. Affected: yes.

PreventionGenetics, part of Exact Sciences
Classification: Benign for NOS1-related condition. Last evaluated: 2019-02-18. Review status: no assertion criteria provided. Collection method: clinical testing. Allele origin: germline. Not counted in ClinVar's aggregate classification.
Comment: This variant is classified as benign based on ACMG/AMP sequence variant interpretation guidelines (Richards et al. 2015 PMID: 25741868, with internal and published modifications).

NM_000620.5(NOS1):c.2721C>T (p.Leu907=)

Gene: NOS1 (nitric oxide synthase 1; minus strand). Cytogenetic location: 12q24.22.
Variant type: single nucleotide variant.
Coding change: c.2721C>T on transcript NM_000620.5 (MANE Select); coding-DNA position 2721, C replaced by T.
Protein change: p.Leu907=; no amino-acid change (leucine 907 retained).
Molecular consequence: synonymous variant.
Genome position (GRCh38, 1-based): chr12:117,247,450, G>A on the plus strand (C>T on the coding strand, the complement: NOS1 is on the minus strand). VCF-style: chr12-117247450-G-A. GRCh37 (hg19) VCF-style: chr12-117685255-G-A.
Other names: c.1713C>T, p.Leu571= (NM_001204213.2, NM_001204214.2); c.2823C>T, p.Leu941= (NM_001204218.2); c.2823C>T (NM_001204218.1).
Identifiers: ClinVar variation 710024 (VCV000710024.7), dbSNP rs41410247, ClinGen allele CA6814701.